The following is an entry in ClinVar:

NM_199420.4(POLQ):c.1573G>A (p.Glu525Lys)

Gene: POLQ (DNA polymerase theta; minus strand). Cytogenetic location: 3q13.33.
Variant type: single nucleotide variant.
Coding change: c.1573G>A on transcript NM_199420.4 (MANE Select); coding-DNA position 1573, G replaced by A.
Protein change: p.Glu525Lys; replaces glutamic acid 525 with lysine.
Molecular consequence: missense variant.
Genome position (GRCh38, 1-based): chr3:121,511,925, C>T on the plus strand (G>A on the coding strand, the complement: POLQ is on the minus strand). VCF-style: chr3-121511925-C-T. GRCh37 (hg19) VCF-style: chr3-121230772-C-T.
Other names: short protein forms E525K.
Identifiers: ClinVar variation 1775542 (VCV001775542.2), dbSNP rs2546804241, ClinGen allele CA354116068.

ClinVar aggregate classification (germline): Uncertain significance (1 of 4 stars; one submission).

Allele frequency attached by ClinVar (database versions not stated): gnomAD exomes below 0.00001.
gnomAD v4.1: 2 of 1,613,938 alleles (0.00012%); highest among the groups gnomAD compares: Admixed American, 0.0017%; no homozygotes.

Submission:

Ambry Genetics
Classification: Uncertain significance. Last evaluated: 2021-08-11. Review status: criteria provided, single submitter. Criteria: Ambry Variant Classification Scheme 2023. Collection method: clinical testing. Allele origin: germline.
Comment: The p.E525K variant (also known as c.1573G>A), located in coding exon 10 of the POLQ gene, results from a G to A substitution at nucleotide position 1573. The glutamic acid at codon 525 is replaced by lysine, an amino acid with similar properties. This amino acid position is conserved. In addition, this alteration is predicted to be tolerated by in silico analysis. Since supporting evidence is limited at this time, the clinical significance of this alteration remains unclear.